The following is an entry in ClinVar:

ClinVar aggregate classification (germline): Likely benign. Review status: criteria provided, multiple submitters, no conflicts (2 of 4 stars). 2 submissions from 2 submitters: Likely benign (2). Last evaluated 2025-05-07.

Conditions:
BSCL2-related disorder. Also called: BSCL2-related condition; BSCL2-Related Disorders.
Charcot-Marie-Tooth disease type 2. Also called: Charcot-Marie-Tooth type 2. Identifiers: Orphanet 64746, MedGen C0270914, MONDO:0018993.

Allele frequency attached by ClinVar (database versions not stated): gnomAD exomes 0.00001 and 0.00002; TOPMed 0.00004; gnomAD 0.00001.
gnomAD v4.1: 29 of 1,614,068 alleles (0.0018%); highest among the groups gnomAD compares: Admixed American, 0.01%; no homozygotes.

Submissions (2):

PreventionGenetics, part of Exact Sciences
Classification: Likely benign for BSCL2-related condition. Last evaluated: 2025-05-07. Review status: criteria provided, single submitter. Criteria: ACMG Guidelines, 2015. Collection method: clinical testing. Allele origin: germline.
Comment: This variant is classified as likely benign based on ACMG/AMP sequence variant interpretation guidelines (Richards et al. 2015 PMID: 25741868, with internal and published modifications).

Labcorp Genetics (formerly Invitae), Labcorp
Classification: Likely benign for Charcot-Marie-Tooth disease type 2. Last evaluated: 2025-03-30. Review status: criteria provided, single submitter. Criteria: Invitae Variant Classification Sherloc (09022015). Collection method: clinical testing. Allele origin: germline.

NM_001122955.4(BSCL2):c.843C>T (p.His281=)

Genes: BSCL2 (BSCL2 lipid droplet biogenesis associated, seipin; minus strand), HNRNPUL2-BSCL2 (HNRNPUL2-BSCL2 readthrough (NMD candidate); minus strand). Cytogenetic location: 11q12.3.
Variant type: single nucleotide variant.
Coding change: c.843C>T on transcript NM_001122955.4 (MANE Select); coding-DNA position 843, C replaced by T.
Protein change: p.His281=; no amino-acid change (histidine 281 retained).
Molecular consequence: synonymous variant. On other transcripts: non-coding transcript variant (1).
Genome position (GRCh38, 1-based): chr11:62,692,396, G>A on the plus strand (C>T on the coding strand, the complement: BSCL2 is on the minus strand). VCF-style: chr11-62692396-G-A. GRCh37 (hg19) VCF-style: chr11-62459868-G-A.
Other names: c.651C>T, p.His217= (NM_001130702.2, NM_032667.6); c.843C>T, p.His281= (NM_001386027.1, NM_001386028.1); c.843C>T (NM_001122955.3).
Identifiers: ClinVar variation 700608 (VCV000700608.11), dbSNP rs1188344099, ClinGen allele CA474864665.